The following is an entry in ClinVar:

NM_017777.4(MKS1):c.1316T>C (p.Leu439Pro)

Gene: MKS1 (MKS transition zone complex subunit 1; minus strand). Cytogenetic location: 17q22.
Variant type: single nucleotide variant.
Coding change: c.1316T>C on transcript NM_017777.4 (MANE Select); coding-DNA position 1316, T replaced by C.
Protein change: p.Leu439Pro; replaces leucine 439 with proline.
Molecular consequence: missense variant. On other transcripts: intron variant (1).
Genome position (GRCh38, 1-based): chr17:58,207,176, A>G on the plus strand (T>C on the coding strand, the complement: MKS1 is on the minus strand). VCF-style: chr17-58207176-A-G. GRCh37 (hg19) VCF-style: chr17-56284537-A-G.
Other names: c.707T>C, p.Leu236Pro (NM_001321268.2); c.1316T>C, p.Leu439Pro (NM_001321269.2); c.1273+718T>C (NM_001330397.2); short protein forms L439P, L236P.
Identifiers: ClinVar variation 861007 (VCV000861007.7), dbSNP rs1325790652, ClinGen allele CA400324981.
Genomic context (GRCh38, chr17:58,207,176, plus strand): 5'-AGGTCCTCCAGTTCCAGAGAACCGCCAATGAAAAACCTCCTCAGCTCAGCCACCGTGCCA[A>G]GCTCCACAGGTCTCCACGTGGAGACTGTCAGGGTGTGTGAGCCTGCGCAAGGGAAGAGAA-3'
Protein context (NP_060247.2, residues 429-449): LTVSTWRPVE[Leu439Pro]GTVAELRRFF

ClinVar aggregate classification (germline): Uncertain significance. Review status: criteria provided, single submitter (1 of 4 stars). 2 submissions from 2 submitters: Uncertain significance (1). 1 of the submissions does not count toward it. Last evaluated 2022-07-06.

Conditions:
MKS1-related disorder. Also called: MKS1-related disorders; MKS1-related condition. Identifiers: MedGen CN239382.
Joubert syndrome. Also called: Familial aplasia of the vermis; JOUBERT-BOLTSHAUSER SYNDROME. Identifiers: Orphanet 475, MedGen C5979921, MONDO:0018772.
Meckel-Gruber syndrome. Also called: DYSENCEPHALIA SPLANCHNOCYSTICA; GRUBER SYNDROME; Dysencephalia splachnocystica. Identifiers: Orphanet 564, MedGen C0265215, MONDO:0018921.

Allele frequency attached by ClinVar (database versions not stated): gnomAD exomes 0.00002 and 0.00001.
gnomAD v4.1: 4 of 1,614,170 alleles (0.00025%); highest among the groups gnomAD compares: East Asian, 0.0089%; no homozygotes.

Submissions (2):

Labcorp Genetics (formerly Invitae), Labcorp
Classification: Uncertain significance for Joubert syndrome; Meckel-Gruber syndrome. Last evaluated: 2022-07-06. Review status: criteria provided, single submitter. Criteria: Invitae Variant Classification Sherloc (09022015). Collection method: clinical testing. Allele origin: germline.
Comment: This sequence change replaces leucine, which is neutral and non-polar, with proline, which is neutral and non-polar, at codon 439 of the MKS1 protein (p.Leu439Pro). This variant is present in population databases (no rsID available, gnomAD 0.02%). This variant has not been reported in the literature in individuals affected with MKS1-related conditions. ClinVar contains an entry for this variant (Variation ID: 861007). Advanced modeling of protein sequence and biophysical properties (such as structural, functional, and spatial information, amino acid conservation, physicochemical variation, residue mobility, and thermodynamic stability) performed at Invitae indicates that this missense variant is not expected to disrupt MKS1 protein function. In summary, the available evidence is currently insufficient to determine the role of this variant in disease. Therefore, it has been classified as a Variant of Uncertain Significance.

PreventionGenetics, part of Exact Sciences
Classification: Uncertain significance for MKS1-related condition. Last evaluated: 2024-06-20. Review status: no assertion criteria provided. Collection method: clinical testing. Allele origin: germline. Not counted in ClinVar's aggregate classification.
Comment: The MKS1 c.1316T>C variant is predicted to result in the amino acid substitution p.Leu439Pro. To our knowledge, this variant has not been reported in the literature. This variant is reported in 0.022% of alleles in individuals of East Asian descent in gnomAD. At this time, the clinical significance of this variant is uncertain due to the absence of conclusive functional and genetic evidence.